The following is an entry in ClinVar:

NM_006904.7(PRKDC):c.3098T>A (p.Ile1033Asn)

Gene: PRKDC (protein kinase, DNA-activated, catalytic subunit; minus strand). Cytogenetic location: 8q11.21.
Variant type: single nucleotide variant.
Coding change: c.3098T>A on transcript NM_006904.7 (MANE Select); coding-DNA position 3098, T replaced by A.
Protein change: p.Ile1033Asn; replaces isoleucine 1033 with asparagine.
Molecular consequence: missense variant.
Genome position (GRCh38, 1-based): chr8:47,902,740, A>T on the plus strand (T>A on the coding strand, the complement: PRKDC is on the minus strand). VCF-style: chr8-47902740-A-T. GRCh37 (hg19) VCF-style: chr8-48815300-A-T.
Other names: c.3098T>A, p.Ile1033Asn (NM_001081640.2); short protein forms I1033N.
Identifiers: ClinVar variation 2104494 (VCV002104494.4), dbSNP rs1042214285, ClinGen allele CA176154182.

ClinVar aggregate classification (germline): Uncertain significance. Review status: criteria provided, multiple submitters, no conflicts (2 of 4 stars). 2 submissions from 2 submitters: Uncertain significance (2). Last evaluated 2024-04-25.

Conditions:
Severe combined immunodeficiency due to DNA-PKcs deficiency. Also called: IMMUNODEFICIENCY 26 WITH NEUROLOGIC ABNORMALITIES; Immunodeficiency 26 with or without neurologic abnormalities. Identifiers: Orphanet 317425, MedGen C4014833, MONDO:0014423, OMIM 615966.

Submissions (2):

Ambry Genetics
Classification: Uncertain significance. Last evaluated: 2024-04-25. Review status: criteria provided, single submitter. Criteria: Ambry Variant Classification Scheme 2023. Collection method: clinical testing. Allele origin: germline.
Comment: The p.I1033N variant (also known as c.3098T>A), located in coding exon 27 of the PRKDC gene, results from a T to A substitution at nucleotide position 3098. The isoleucine at codon 1033 is replaced by asparagine, an amino acid with dissimilar properties. This amino acid position is conserved. In addition, the in silico prediction for this alteration is inconclusive. Based on the available evidence, the clinical significance of this variant remains unclear.

Labcorp Genetics (formerly Invitae), Labcorp
Classification: Uncertain significance for Severe combined immunodeficiency due to DNA-PKcs deficiency. Last evaluated: 2022-07-14. Review status: criteria provided, single submitter. Criteria: Invitae Variant Classification Sherloc (09022015). Collection method: clinical testing. Allele origin: germline.
Comment: This sequence change replaces isoleucine, which is neutral and non-polar, with asparagine, which is neutral and polar, at codon 1033 of the PRKDC protein (p.Ile1033Asn). This variant is not present in population databases (gnomAD no frequency). This variant has not been reported in the literature in individuals affected with PRKDC-related conditions. Experimental studies and prediction algorithms are not available or were not evaluated, and the functional significance of this variant is currently unknown. In summary, the available evidence is currently insufficient to determine the role of this variant in disease. Therefore, it has been classified as a Variant of Uncertain Significance.